The following is an entry in ClinVar:

ClinVar aggregate classification (germline): Likely pathogenic (1 of 4 stars; one submission).

Conditions:
Autosomal recessive nonsyndromic hearing loss 124. Also called: DEAFNESS, AUTOSOMAL RECESSIVE 124. Identifiers: MedGen C5935612, MONDO:0968981, OMIM 620794.

Submission:

First Genomix Gene Laboratory, Genetic Diagnostics Department
Classification: Likely pathogenic for Autosomal recessive nonsyndromic hearing loss 124. Last evaluated: 2025-01-20. Review status: criteria provided, single submitter. Criteria: ACMG Guidelines, 2015. Collection method: clinical testing. Allele origin: germline. Inheritance: Autosomal recessive inheritance. Affected: no. Observed: 1 variant allele.

NM_177531.6(PKHD1L1):c.5944del (p.His1982fs)

Gene: PKHD1L1 (PKHD1 like 1; plus strand). Cytogenetic location: 8q23.1.
Variant type: Deletion.
Coding change: c.5944del on transcript NM_177531.6 (MANE Select); coding-DNA position 5944, one base deleted (C; older notation c.5944delC).
Protein change: p.His1982fs; shifts the reading frame from histidine 1982.
Molecular consequence: frameshift variant.
Genome position (GRCh38, 1-based): chr8:109,448,310, C deleted. VCF-style (leftmost placement, unchanged base first): chr8-109448309-GC-G. GRCh37 (hg19) VCF-style: chr8-110460538-GC-G.
Other names: c.5944delC (NM_177531.6); short protein forms H1982fs.
Identifiers: ClinVar variation 4845713 (VCV004845713.1).
Genomic context (GRCh38, chr8:109,448,309, plus strand): 5'-TGATAGTGTGGTGCAGTGCATCGTGGGAGATCATGCTGGGGGCACATTTCCTGTTATGAT[GC>G]ATCATAAGACAAAAGGCTCAGCCATGTCCACAGTTGTATTTGAGTACCCGCTTAATATTC-3'